The following is an entry in ClinVar:

ClinVar aggregate classification (germline): Benign (1 of 4 stars; one submission).

Conditions:
Exudative vitreoretinopathy 5 (EVR5). Identifiers: Orphanet 891, MedGen C2750079, MONDO:0013218, OMIM 613310.

Allele frequency attached by ClinVar (database versions not stated): TOPMed 0.00003; 1000 Genomes Project 30x 0.00047; 1000 Genomes Project 0.00060; gnomAD 0.00064 and 0.00069; gnomAD exomes 0.00427.
gnomAD v4.1: 98 of 152,460 alleles (0.064%); highest among the groups gnomAD compares: Non-Finnish European, 0.024%; no homozygotes.

Submission:

Illumina Laboratory Services, Illumina
Classification: Benign for Exudative vitreoretinopathy 5. Last evaluated: 2018-01-13. Review status: criteria provided, single submitter. Criteria: ICSL Variant Classification Criteria 13 December 2019. Collection method: clinical testing. Allele origin: germline.
Comment: This variant was observed in the ICSL laboratory as part of a predisposition screen in an ostensibly healthy population. It had not been previously curated by ICSL or reported in the Human Gene Mutation Database (HGMD: prior to June 1st, 2018), and was therefore a candidate for classification through an automated scoring system. Utilizing variant allele frequency, disease prevalence and penetrance estimates, and inheritance mode, an automated score was calculated to assess if this variant is too frequent to cause the disease. Based on the score and internal cut-off values, a variant classified as benign is not then subjected to further curation. The score for this variant resulted in a classification of benign for this disease.

NM_012338.4(TSPAN12):c.*998G>A

Gene: TSPAN12 (tetraspanin 12; minus strand). Cytogenetic location: 7q31.31.
Variant type: single nucleotide variant.
Coding change: c.*998G>A on transcript NM_012338.4 (MANE Select); 998 bases downstream of the stop codon, G replaced by A.
Molecular consequence: 3 prime UTR variant.
Genome position (GRCh38, 1-based): chr7:120,787,594, C>T on the plus strand (G>A on the coding strand, the complement: TSPAN12 is on the minus strand). VCF-style: chr7-120787594-C-T. GRCh37 (hg19) VCF-style: chr7-120427648-C-T.
Identifiers: ClinVar variation 358755 (VCV000358755.5), dbSNP rs182626886, ClinGen allele CA10628149.